The following is an entry in ClinVar:

NM_153240.5(NPHP3):c.463A>G (p.Met155Val)

Genes: NPHP3 (nephrocystin 3; minus strand), NPHP3-ACAD11 (NPHP3-ACAD11 readthrough (NMD candidate); minus strand). Cytogenetic location: 3q22.1.
Variant type: single nucleotide variant.
Coding change: c.463A>G on transcript NM_153240.5 (MANE Select); coding-DNA position 463, A replaced by G.
Protein change: p.Met155Val; replaces methionine 155 with valine.
Molecular consequence: missense variant. On other transcripts: non-coding transcript variant (1).
Genome position (GRCh38, 1-based): chr3:132,719,761, T>C on the plus strand (A>G on the coding strand, the complement: NPHP3 is on the minus strand). VCF-style: chr3-132719761-T-C. GRCh37 (hg19) VCF-style: chr3-132438605-T-C.
Other names: short protein forms M155V.
Identifiers: ClinVar variation 943730 (VCV000943730.9), dbSNP rs780207607, ClinGen allele CA2622601.
Genomic context (GRCh38, chr3:132,719,761, plus strand): 5'-TTACCTTGAATTGCCTTTTAACTTTATCTCTGTCATGTTCAAATGTTGCTGCTCTCTCCA[T>C]TGCTTGGTATTTCGCTTCTAAAGCACTTTCTTTTTCTCGAAGTATCTTCTGATACGTTTT-3'
Protein context (NP_694972.3, residues 145-165): ESALEAKYQA[Met155Val]ERAATFEHDR

ClinVar aggregate classification (germline): Uncertain significance (1 of 4 stars; one submission).

Conditions:
Nephronophthisis. Also called: Juvenile Nephronophthisis. Identifiers: Orphanet 655, MedGen C0687120, MONDO:0019005, HP:0000090.

Allele frequency attached by ClinVar (database versions not stated): gnomAD exomes below 0.00001; TOPMed below 0.00001; ExAC 0.00001.

Submission:

Labcorp Genetics (formerly Invitae), Labcorp
Classification: Uncertain significance for Nephronophthisis. Last evaluated: 2024-04-17. Review status: criteria provided, single submitter. Criteria: Invitae Variant Classification Sherloc (09022015). Collection method: clinical testing. Allele origin: germline.
Comment: This sequence change replaces methionine, which is neutral and non-polar, with valine, which is neutral and non-polar, at codon 155 of the NPHP3 protein (p.Met155Val). This variant is present in population databases (rs780207607, gnomAD 0.01%). This variant has not been reported in the literature in individuals affected with NPHP3-related conditions. ClinVar contains an entry for this variant (Variation ID: 943730). Advanced modeling of protein sequence and biophysical properties (such as structural, functional, and spatial information, amino acid conservation, physicochemical variation, residue mobility, and thermodynamic stability) performed at Invitae indicates that this missense variant is not expected to disrupt NPHP3 protein function with a negative predictive value of 95%. In summary, the available evidence is currently insufficient to determine the role of this variant in disease. Therefore, it has been classified as a Variant of Uncertain Significance.